The following is an entry in ClinVar:

NM_032888.4(COL27A1):c.2446_2447delinsA (p.Pro816fs)

Gene: COL27A1 (collagen type XXVII alpha 1 chain; plus strand). Cytogenetic location: 9q32.
Variant type: Indel.
Coding change: c.2446_2447delinsA on transcript NM_032888.4 (MANE Select); coding-DNA positions 2446 to 2447, CC replaced by A.
Protein change: p.Pro816fs; shifts the reading frame from proline 816.
Molecular consequence: frameshift variant.
Genome position (GRCh38, 1-based): chr9:114,222,247-114,222,248, CC replaced by A. VCF-style: chr9-114222247-CC-A. GRCh37 (hg19) VCF-style: chr9-116984527-CC-A.
Other names: short protein forms P816fs.
Identifiers: ClinVar variation 2084781 (VCV002084781.1), dbSNP rs2491028292, ClinGen allele CA2580079441.

ClinVar aggregate classification (germline): Pathogenic (1 of 4 stars; one submission).

Submission:

Labcorp Genetics (formerly Invitae), Labcorp
Classification: Pathogenic. Last evaluated: 2022-01-17. Review status: criteria provided, single submitter. Criteria: Invitae Variant Classification Sherloc (09022015). Collection method: clinical testing. Allele origin: germline.
Comment: This sequence change creates a premature translational stop signal (p.Pro816Metfs*10) in the COL27A1 gene. It is expected to result in an absent or disrupted protein product. Loss-of-function variants in COL27A1 are known to be pathogenic (PMID: 24986830, 28276056). This variant is not present in population databases (gnomAD no frequency). This variant has not been reported in the literature in individuals affected with COL27A1-related conditions. For these reasons, this variant has been classified as Pathogenic.

Literature cited by the submitters: PubMed 24986830; PubMed 28276056.